The following is an entry in ClinVar:

ClinVar aggregate classification (germline): Pathogenic (1 of 4 stars; one submission).

Submission:

Labcorp Genetics (formerly Invitae), Labcorp
Classification: Pathogenic. Last evaluated: 2023-04-14. Review status: criteria provided, single submitter. Criteria: Invitae Variant Classification Sherloc (09022015). Collection method: clinical testing. Allele origin: germline.
Comment: This sequence change creates a premature translational stop signal (p.Gln85*) in the TG gene. It is expected to result in an absent or disrupted protein product. Loss-of-function variants in TG are known to be pathogenic (PMID: 19837936, 23164529). This variant is not present in population databases (gnomAD no frequency). This variant has not been reported in the literature in individuals affected with TG-related conditions. Algorithms developed to predict the effect of sequence changes on RNA splicing suggest that this variant may disrupt the consensus splice site. For these reasons, this variant has been classified as Pathogenic.

Literature cited by the submitters: PubMed 19837936; PubMed 23164529.

NM_003235.5(TG):c.253C>T (p.Gln85Ter)

Gene: TG (thyroglobulin; plus strand). Cytogenetic location: 8q24.22.
Variant type: single nucleotide variant.
Coding change: c.253C>T on transcript NM_003235.5 (MANE Select); coding-DNA position 253, C replaced by T.
Protein change: p.Gln85Ter; replaces glutamine 85 with a stop codon.
Molecular consequence: nonsense.
Genome position (GRCh38, 1-based): chr8:132,869,805, C>T. VCF-style: chr8-132869805-C-T. GRCh37 (hg19) VCF-style: chr8-133882050-C-T.
Other names: short protein forms Q85*.
Identifiers: ClinVar variation 2856005 (VCV002856005.3), dbSNP rs1181511105, ClinGen allele CA372246219.
Genomic context (GRCh38, chr8:132,869,805, plus strand): 5'-AACGACGGCCGCTCCTGCTGGTGTGTGGGTGCCAACGGCAGTGAAGTGCTGGGCAGCAGG[C>T]AGCCAGGACGGCCTGTGGCTTGTAAGTGGGAGTGGGGGACGTCCCTTGGAGGGACCCTGC-3'